The following is an entry in ClinVar:

ClinVar aggregate classification (germline): Uncertain significance. Review status: criteria provided, multiple submitters, no conflicts (2 of 4 stars). 3 submissions from 3 submitters: Uncertain significance (3). Last evaluated 2026-04-01.

Conditions:
Cardiovascular phenotype. Identifiers: MedGen CN230736.
CACNB2-related disorder. Also called: CACNB2-related condition.
Brugada syndrome 4 (BRGDA4). Identifiers: Orphanet 130, MedGen C2678477, MONDO:0012743, OMIM 611876.

Allele frequency attached by ClinVar (database versions not stated): gnomAD exomes below 0.00001; ExAC 0.00002; TOPMed 0.00002; gnomAD 0.00003.
gnomAD v4.1: 6 of 1,613,064 alleles (0.00037%); highest among the groups gnomAD compares: Admixed American, 0.01%; no homozygotes.

Submissions (3):

PreventionGenetics, part of Exact Sciences
Classification: Uncertain significance for CACNB2-related condition. Last evaluated: 2026-04-01. Review status: criteria provided, single submitter. Criteria: ACMG Guidelines, 2015. Collection method: clinical testing. Allele origin: germline.
Comment: The CACNB2 c.694C>G variant is predicted to result in the amino acid substitution p.Leu232Val. To our knowledge, this variant has not been reported in the literature. This variant is reported in 0.0087% of alleles in individuals of Latino descent in gnomAD. At this time, the clinical significance of this variant is uncertain due to the absence of conclusive functional and genetic evidence.

Ambry Genetics
Classification: Uncertain significance for Cardiovascular phenotype. Last evaluated: 2022-07-27. Review status: criteria provided, single submitter. Criteria: Ambry Variant Classification Scheme 2023. Collection method: clinical testing. Allele origin: germline.

Labcorp Genetics (formerly Invitae), Labcorp
Classification: Uncertain significance for Brugada syndrome 4. Last evaluated: 2021-12-10. Review status: criteria provided, single submitter. Criteria: Invitae Variant Classification Sherloc (09022015). Collection method: clinical testing. Allele origin: germline.
Comment: This variant has not been reported in the literature in individuals affected with CACNB2-related conditions. This variant is present in population databases (rs766100830, gnomAD 0.009%). This sequence change replaces leucine, which is neutral and non-polar, with valine, which is neutral and non-polar, at codon 232 of the CACNB2 protein (p.Leu232Val). Algorithms developed to predict the effect of missense changes on protein structure and function (SIFT, PolyPhen-2, Align-GVGD) all suggest that this variant is likely to be disruptive. In summary, the available evidence is currently insufficient to determine the role of this variant in disease. Therefore, it has been classified as a Variant of Uncertain Significance.

NM_201596.3(CACNB2):c.856C>G (p.Leu286Val)

Gene: CACNB2 (calcium voltage-gated channel auxiliary subunit beta 2; plus strand). Cytogenetic location: 10p12.31.
Variant type: single nucleotide variant.
Coding change: c.856C>G on transcript NM_201596.3 (MANE Select); coding-DNA position 856, C replaced by G.
Protein change: p.Leu286Val; replaces leucine 286 with valine.
Molecular consequence: missense variant.
Genome position (GRCh38, 1-based): chr10:18,518,387, C>G. VCF-style: chr10-18518387-C-G. GRCh37 (hg19) VCF-style: chr10-18807316-C-G.
Other names: c.691C>G, p.Leu231Val (NM_000724.4); c.658C>G, p.Leu220Val (NM_001167945.2); c.577C>G, p.Leu193Val (NM_001330060.2); c.598C>G, p.Leu200Val (NM_001410882.1); c.712C>G, p.Leu238Val (NM_201570.3); c.772C>G, p.Leu258Val (NM_201571.4); c.700C>G, p.Leu234Val (NM_201572.4); c.694C>G, p.Leu232Val (NM_201590.3); and 2 more; short protein forms L220V, L238V, L248V, L286V, L193V, L200V, L234V, L232V.
Identifiers: ClinVar variation 2037597 (VCV002037597.6), dbSNP rs766100830, ClinGen allele CA5429798.
Genomic context (GRCh38, chr10:18,518,387, plus strand): 5'-TCTCTGCAGACAGAGCACACTCCTCCGTATGATGTGGTACCTTCCATGCGACCAGTGGTC[C>G]TAGTGGGCCCTTCTCTGAAGGGCTACGAGGTGGGTAGCAGCCTTCCACAGGAAGCTTAAC-3'
Protein context (NP_963890.2, residues 276-296): DVVPSMRPVV[Leu286Val]VGPSLKGYEV